The following is an entry in ClinVar:

ClinVar aggregate classification (germline): Uncertain significance. Review status: criteria provided, multiple submitters, no conflicts (2 of 4 stars). 2 submissions from 2 submitters: Uncertain significance (2). Last evaluated 2021-11-18.

Conditions:
Hennekam lymphangiectasia-lymphedema syndrome 1 (HKLLS1). Also called: LYMPHATIC DYSPLASIA, GENERALIZED. Identifiers: Orphanet 2136, MedGen C4012050, MONDO:0009337, OMIM 235510.

Allele frequency attached by ClinVar (database versions not stated): ExAC 0.00001; gnomAD exomes 0.00004 and 0.00012; TOPMed 0.00005; ESP Exome Variant Server 0.00008; gnomAD 0.00009.
gnomAD v4.1: 199 of 1,613,798 alleles (0.012%); highest among the groups gnomAD compares: Non-Finnish European, 0.015%; no homozygotes.

Submissions (2):

Labcorp Genetics (formerly Invitae), Labcorp
Classification: Uncertain significance. Last evaluated: 2021-11-18. Review status: criteria provided, single submitter. Criteria: Invitae Variant Classification Sherloc (09022015). Collection method: clinical testing. Allele origin: germline.
Comment: This sequence change replaces asparagine, which is neutral and polar, with serine, which is neutral and polar, at codon 224 of the CCBE1 protein (p.Asn224Ser). This variant is present in population databases (rs369736447, gnomAD 0.01%). This variant has not been reported in the literature in individuals affected with CCBE1-related conditions. ClinVar contains an entry for this variant (Variation ID: 890864). Algorithms developed to predict the effect of missense changes on protein structure and function (SIFT, PolyPhen-2, Align-GVGD) all suggest that this variant is likely to be tolerated. Algorithms developed to predict the effect of sequence changes on RNA splicing suggest that this variant may create or strengthen a splice site. In summary, the available evidence is currently insufficient to determine the role of this variant in disease. Therefore, it has been classified as a Variant of Uncertain Significance.

Illumina Laboratory Services, Illumina
Classification: Uncertain significance for Hennekam lymphangiectasia-lymphedema syndrome 1. Last evaluated: 2018-01-13. Review status: criteria provided, single submitter. Criteria: ICSL Variant Classification Criteria 13 December 2019. Collection method: clinical testing. Allele origin: germline.

NM_133459.4(CCBE1):c.671A>G (p.Asn224Ser)

Gene: CCBE1 (collagen and calcium binding EGF domains 1; minus strand). Cytogenetic location: 18q21.32.
Variant type: single nucleotide variant.
Coding change: c.671A>G on transcript NM_133459.4 (MANE Select); coding-DNA position 671, A replaced by G.
Protein change: p.Asn224Ser; replaces asparagine 224 with serine.
Molecular consequence: missense variant.
Genome position (GRCh38, 1-based): chr18:59,448,087, T>C on the plus strand (A>G on the coding strand, the complement: CCBE1 is on the minus strand). VCF-style: chr18-59448087-T-C. GRCh37 (hg19) VCF-style: chr18-57115319-T-C.
Other names: short protein forms N224S.
Identifiers: ClinVar variation 890864 (VCV000890864.6), dbSNP rs369736447, ClinGen allele CA8980364.